The following is an entry in ClinVar:

ClinVar aggregate classification (germline): Uncertain significance (1 of 4 stars; one submission).

Conditions:
Spastic paraplegia. Identifiers: MedGen C0037772, HP:0001258.

Allele frequency attached by ClinVar (database versions not stated): gnomAD 0.00001 and 0.00002; gnomAD exomes 0.00001 and 0.00004; ExAC 0.00002; TOPMed 0.00002.
gnomAD v4.1: 56 of 1,614,064 alleles (0.0035%); highest among the groups gnomAD compares: Non-Finnish European, 0.0043%; no homozygotes.

Submission:

Labcorp Genetics (formerly Invitae), Labcorp
Classification: Uncertain significance for Spastic paraplegia. Last evaluated: 2021-12-02. Review status: criteria provided, single submitter. Criteria: Invitae Variant Classification Sherloc (09022015). Collection method: clinical testing. Allele origin: germline.
Comment: This sequence change replaces glutamic acid, which is acidic and polar, with lysine, which is basic and polar, at codon 996 of the ZFYVE26 protein (p.Glu996Lys). This variant is present in population databases (rs778790022, gnomAD 0.005%). This variant has not been reported in the literature in individuals affected with ZFYVE26-related conditions. Algorithms developed to predict the effect of missense changes on protein structure and function are either unavailable or do not agree on the potential impact of this missense change (SIFT: "Deleterious"; PolyPhen-2: "Probably Damaging"; Align-GVGD: "Class C0"). In summary, the available evidence is currently insufficient to determine the role of this variant in disease. Therefore, it has been classified as a Variant of Uncertain Significance.

NM_015346.4(ZFYVE26):c.2986G>A (p.Glu996Lys)

Gene: ZFYVE26 (zinc finger FYVE-type containing 26; minus strand). Cytogenetic location: 14q24.1.
Variant type: single nucleotide variant.
Coding change: c.2986G>A on transcript NM_015346.4 (MANE Select); coding-DNA position 2986, G replaced by A.
Protein change: p.Glu996Lys; replaces glutamic acid 996 with lysine.
Molecular consequence: missense variant.
Genome position (GRCh38, 1-based): chr14:67,789,368, C>T on the plus strand (G>A on the coding strand, the complement: ZFYVE26 is on the minus strand). VCF-style: chr14-67789368-C-T. GRCh37 (hg19) VCF-style: chr14-68256085-C-T.
Other names: short protein forms E996K.
Identifiers: ClinVar variation 1443529 (VCV001443529.5), dbSNP rs778790022, ClinGen allele CA7240138.